The following is an entry in ClinVar:

NM_014846.4(WASHC5):c.2734C>T (p.Leu912Phe)

Genes: WASHC5 (WASH complex subunit 5; minus strand), WASHC5-AS1 (WASHC5 antisense RNA 1; plus strand). Cytogenetic location: 8q24.13.
Variant type: single nucleotide variant.
Coding change: c.2734C>T on transcript NM_014846.4 (MANE Select); coding-DNA position 2734, C replaced by T.
Protein change: p.Leu912Phe; replaces leucine 912 with phenylalanine.
Molecular consequence: missense variant.
Genome position (GRCh38, 1-based): chr8:125,044,028, G>A on the plus strand (C>T on the coding strand, the complement: WASHC5 is on the minus strand). VCF-style: chr8-125044028-G-A. GRCh37 (hg19) VCF-style: chr8-126056270-G-A.
Other names: c.2290C>T, p.Leu764Phe (NM_001330609.2); short protein forms L764F, L912F.
Identifiers: ClinVar variation 1951240 (VCV001951240.5), dbSNP rs1210032060, ClinGen allele CA372187788.

ClinVar aggregate classification (germline): Uncertain significance (1 of 4 stars; one submission).

Conditions:
Hereditary spastic paraplegia 8 (SPG8). Also called: SPASTIC PARAPLEGIA 8, AUTOSOMAL DOMINANT. Identifiers: Orphanet 100989, MedGen C1863704, MONDO:0011339, OMIM 603563.
Ritscher-Schinzel syndrome. Also called: CRANIOCEREBELLOCARDIAC DYSPLASIA. Identifiers: Orphanet 7, MedGen C0796137, MONDO:0019078.

Allele frequency attached by ClinVar (database versions not stated): gnomAD exomes below 0.00001; TOPMed 0.00001.
gnomAD v4.1: 1 of 1,613,762 alleles (0.000062%); highest among the groups gnomAD compares: Admixed American, 0.0017%; no homozygotes.

Submission:

Labcorp Genetics (formerly Invitae), Labcorp
Classification: Uncertain significance for Ritscher-Schinzel syndrome; Hereditary spastic paraplegia 8. Last evaluated: 2022-02-20. Review status: criteria provided, single submitter. Criteria: Invitae Variant Classification Sherloc (09022015). Collection method: clinical testing. Allele origin: germline.
Comment: In summary, the available evidence is currently insufficient to determine the role of this variant in disease. Therefore, it has been classified as a Variant of Uncertain Significance. Algorithms developed to predict the effect of missense changes on protein structure and function are either unavailable or do not agree on the potential impact of this missense change (SIFT: "Deleterious"; PolyPhen-2: "Benign"; Align-GVGD: "Class C0"). This variant has not been reported in the literature in individuals affected with WASHC5-related conditions. This variant is present in population databases (no rsID available, gnomAD 0.003%). This sequence change replaces leucine, which is neutral and non-polar, with phenylalanine, which is neutral and non-polar, at codon 912 of the WASHC5 protein (p.Leu912Phe).